The following is an entry in ClinVar:

NM_017780.4(CHD7):c.3286A>C (p.Asn1096His)

Gene: CHD7 (chromodomain helicase DNA binding protein 7; plus strand). Cytogenetic location: 8q12.2.
Variant type: single nucleotide variant.
Coding change: c.3286A>C on transcript NM_017780.4 (MANE Select); coding-DNA position 3286, A replaced by C.
Protein change: p.Asn1096His; replaces asparagine 1096 with histidine.
Molecular consequence: missense variant. On other transcripts: intron variant (1).
Genome position (GRCh38, 1-based): chr8:60,823,924, A>C. VCF-style: chr8-60823924-A-C. GRCh37 (hg19) VCF-style: chr8-61736483-A-C.
Other names: c.1717-38305A>C (NM_001316690.1); short protein forms N1096H.
Identifiers: ClinVar variation 2051454 (VCV002051454.4), dbSNP rs2487818911, ClinGen allele CA371312110.
Genomic context (GRCh38, chr8:60,823,924, plus strand): 5'-AAGTTTCATGCCATCATCACTACATTTGAGATGATTTTGACTGATTGTCCTGAGCTGCGG[A>C]ATATTCCATGGCGCTGTGTAGTCATTGATGAAGCCCACAGGCTGAAGAACAGGAACTGCA-3'
Protein context (NP_060250.2, residues 1086-1106): MILTDCPELR[Asn1096His]IPWRCVVIDE

ClinVar aggregate classification (germline): Uncertain significance (1 of 4 stars; one submission).

Conditions:
CHARGE syndrome (CHARGE). Also called: Hittner Hirsch Kreh syndrome; CHARGE ASSOCIATION--COLOBOMA, HEART ANOMALY, CHOANAL ATRESIA, RETARDATION, GENITAL AND EAR ANOMALIES; Coloboma, heart anomaly, choanal atresia, retardation, genital and ear anomalies; CHARGE association; Hall-Hittner syndrome. Identifiers: Orphanet 138, MedGen C0265354, MONDO:0008965.

Submission:

Labcorp Genetics (formerly Invitae), Labcorp
Classification: Uncertain significance for CHARGE syndrome. Last evaluated: 2021-12-21. Review status: criteria provided, single submitter. Criteria: Invitae Variant Classification Sherloc (09022015). Collection method: clinical testing. Allele origin: germline.
Comment: In summary, the available evidence is currently insufficient to determine the role of this variant in disease. Therefore, it has been classified as a Variant of Uncertain Significance. Advanced modeling of protein sequence and biophysical properties (such as structural, functional, and spatial information, amino acid conservation, physicochemical variation, residue mobility, and thermodynamic stability) performed at Invitae indicates that this missense variant is not expected to disrupt CHD7 protein function. This variant has not been reported in the literature in individuals affected with CHD7-related conditions. This variant is not present in population databases (gnomAD no frequency). This sequence change replaces asparagine, which is neutral and polar, with histidine, which is basic and polar, at codon 1096 of the CHD7 protein (p.Asn1096His).